The following is an entry in ClinVar:

ClinVar aggregate classification (germline): Uncertain significance (1 of 4 stars; one submission).

gnomAD v4.1: 1 of 1,614,236 alleles (0.000062%); no homozygotes.

Submission:

GeneDx
Classification: Uncertain significance. Last evaluated: 2026-03-24. Review status: criteria provided, single submitter. Criteria: GeneDx Variant Classification Process June 2021. Collection method: clinical testing. Allele origin: germline.
Comment: Not observed at significant frequency in large population cohorts (gnomAD); In silico analysis supports that this missense variant has a deleterious effect on protein structure/function; Has not been previously published as pathogenic or benign to our knowledge

NM_001367873.1(SOX6):c.2440G>A (p.Asp814Asn)

Gene: SOX6 (SRY-box transcription factor 6; minus strand). Cytogenetic location: 11p15.2.
Variant type: single nucleotide variant.
Coding change: c.2440G>A on transcript NM_001367873.1 (MANE Select); coding-DNA position 2440, G replaced by A.
Protein change: p.Asp814Asn; replaces aspartic acid 814 with asparagine.
Molecular consequence: missense variant.
Genome position (GRCh38, 1-based): chr11:15,972,856, C>T on the plus strand (G>A on the coding strand, the complement: SOX6 is on the minus strand). VCF-style: chr11-15972856-C-T. GRCh37 (hg19) VCF-style: chr11-15994402-C-T.
Other names: c.2359G>A, p.Asp787Asn (NM_001145811.2, NM_017508.3); c.2440G>A, p.Asp814Asn (NM_001145819.2); c.2317G>A, p.Asp773Asn (NM_001367872.1); c.2380G>A, p.Asp794Asn (NM_033326.3); short protein forms D773N, D787N, D794N, D814N.
Identifiers: ClinVar variation 5017233 (VCV005017233.1).